The following is an entry in ClinVar:

NM_024915.4(GRHL2):c.166G>C (p.Gly56Arg)

Gene: GRHL2 (grainyhead like transcription factor 2; plus strand). Cytogenetic location: 8q22.3.
Variant type: single nucleotide variant.
Coding change: c.166G>C on transcript NM_024915.4 (MANE Select); coding-DNA position 166, G replaced by C.
Protein change: p.Gly56Arg; replaces glycine 56 with arginine.
Molecular consequence: missense variant.
Genome position (GRCh38, 1-based): chr8:101,543,386, G>C. VCF-style: chr8-101543386-G-C. GRCh37 (hg19) VCF-style: chr8-102555614-G-C.
Other names: c.118G>C, p.Gly40Arg (NM_001330593.2); short protein forms G40R, G56R.
Identifiers: ClinVar variation 3385165 (VCV003385165.1).

ClinVar aggregate classification (germline): Uncertain significance (1 of 4 stars; one submission).

Submission:

Women's Health and Genetics/Laboratory Corporation of America, LabCorp
Classification: Uncertain significance. Last evaluated: 2024-10-21. Review status: criteria provided, single submitter. Criteria: LabCorp Variant Classification Summary - May 2015. Collection method: clinical testing. Allele origin: germline.
Comment: Variant summary: GRHL2 c.166G>C (p.Gly56Arg) results in a non-conservative amino acid change in the encoded protein sequence. Five of five in-silico tools predict a damaging effect of the variant on protein function. The variant was absent in 251114 control chromosomes. The available data on variant occurrences in the general population are insufficient to allow any conclusion about variant significance. To our knowledge, no occurrence of c.166G>C in individuals affected with GRHL2-Related Disorders and no experimental evidence demonstrating its impact on protein function have been reported. No submitters have cited clinical-significance assessments for this variant to ClinVar. Based on the evidence outlined above, the variant was classified as uncertain significance.